The following is an entry in ClinVar:

NM_015047.3(EMC1):c.643G>T (p.Val215Phe)

Genes: EMC1 (ER membrane protein complex subunit 1; minus strand), EMC1-AS1 (EMC1 antisense RNA 1; plus strand). Cytogenetic location: 1p36.13.
Variant type: single nucleotide variant.
Coding change: c.643G>T on transcript NM_015047.3 (MANE Select); coding-DNA position 643, G replaced by T.
Protein change: p.Val215Phe; replaces valine 215 with phenylalanine.
Molecular consequence: missense variant. On other transcripts: non-coding transcript variant (1).
Genome position (GRCh38, 1-based): chr1:19,240,440, C>A on the plus strand (G>T on the coding strand, the complement: EMC1 is on the minus strand). VCF-style: chr1-19240440-C-A. GRCh37 (hg19) VCF-style: chr1-19566934-C-A.
Other names: c.643G>T, p.Val215Phe (NM_001271427.2, NM_001271428.2, NM_001375820.1 and 1 more transcripts); c.577G>T, p.Val193Phe (NM_001271429.2); short protein forms V215F, V193F.
Identifiers: ClinVar variation 2100724 (VCV002100724.4), dbSNP rs1184005714, ClinGen allele CA338769356.
Genomic context (GRCh38, chr1:19,240,440, plus strand): 5'-GGACAGCCTCATCCACCACACCACAGGCTCCAGACAGGTGCTGCAGCCACGGAGTTGAAA[C>A]CCTAACCTACAGAAAAGTCATCGTTAACAGGAAGCTCGTGAAAGATTTTTACATTTCCCT-3'
Protein context (NP_055862.1, residues 205-225): EDGEIVQQVR[Val215Phe]STPWLQHLSG

ClinVar aggregate classification (germline): Uncertain significance (1 of 4 stars; one submission).

Allele frequency attached by ClinVar (database versions not stated): TOPMed below 0.00001; gnomAD exomes 0.00001.
gnomAD v4.1: 3 of 1,614,174 alleles (0.00019%); highest among the groups gnomAD compares: Admixed American, 0.0017%; no homozygotes.

Submission:

Labcorp Genetics (formerly Invitae), Labcorp
Classification: Uncertain significance. Last evaluated: 2024-05-29. Review status: criteria provided, single submitter. Criteria: Invitae Variant Classification Sherloc (09022015). Collection method: clinical testing. Allele origin: germline.
Comment: This sequence change replaces valine, which is neutral and non-polar, with phenylalanine, which is neutral and non-polar, at codon 215 of the EMC1 protein (p.Val215Phe). This variant is present in population databases (no rsID available, gnomAD 0.003%). This variant has not been reported in the literature in individuals affected with EMC1-related conditions. ClinVar contains an entry for this variant (Variation ID: 2100724). Advanced modeling of protein sequence and biophysical properties (such as structural, functional, and spatial information, amino acid conservation, physicochemical variation, residue mobility, and thermodynamic stability) performed at Invitae indicates that this missense variant is not expected to disrupt EMC1 protein function with a negative predictive value of 80%. In summary, the available evidence is currently insufficient to determine the role of this variant in disease. Therefore, it has been classified as a Variant of Uncertain Significance.